The following is an entry in ClinVar:

ClinVar aggregate classification (germline): Uncertain significance. Review status: criteria provided, multiple submitters, no conflicts (2 of 4 stars). 2 submissions from 2 submitters: Uncertain significance (2). Last evaluated 2025-06-04.

Conditions:
Severe early-onset pulmonary alveolar proteinosis due to MARS deficiency. Also called: PULMONARY ALVEOLAR PROTEINOSIS, REUNION ISLAND; Interstitial lung and liver disease. Identifiers: Orphanet 440427, MedGen C4225400, MONDO:0014206, OMIM 615486.
Charcot-Marie-Tooth disease axonal type 2U. Also called: CHARCOT-MARIE-TOOTH DISEASE, AXONAL, AUTOSOMAL DOMINANT, TYPE 2U; CHARCOT-MARIE-TOOTH NEUROPATHY, TYPE 2U. Identifiers: Orphanet 397735, MedGen C4084821, MONDO:0014566, OMIM 616280.

Allele frequency attached by ClinVar (database versions not stated): TOPMed below 0.00001; ExAC 0.00001; gnomAD 0.00001; gnomAD exomes 0.00001.
gnomAD v4.1: 15 of 1,614,074 alleles (0.00093%); highest among the groups gnomAD compares: East Asian, 0.0022%; no homozygotes.

Submissions (2):

Ambry Genetics
Classification: Uncertain significance. Last evaluated: 2025-06-04. Review status: criteria provided, single submitter. Criteria: Ambry Variant Classification Scheme 2023. Collection method: clinical testing. Allele origin: germline.

Labcorp Genetics (formerly Invitae), Labcorp
Classification: Uncertain significance for Charcot-Marie-Tooth disease axonal type 2U; Severe early-onset pulmonary alveolar proteinosis due to MARS deficiency. Last evaluated: 2022-10-23. Review status: criteria provided, single submitter. Criteria: Invitae Variant Classification Sherloc (09022015). Collection method: clinical testing. Allele origin: germline.
Comment: This variant is present in population databases (rs757783733, gnomAD 0.003%). This sequence change replaces arginine, which is basic and polar, with histidine, which is basic and polar, at codon 706 of the MARS protein (p.Arg706His). This variant has not been reported in the literature in individuals affected with MARS-related conditions. In summary, the available evidence is currently insufficient to determine the role of this variant in disease. Therefore, it has been classified as a Variant of Uncertain Significance. Algorithms developed to predict the effect of missense changes on protein structure and function are either unavailable or do not agree on the potential impact of this missense change (SIFT: "Deleterious"; PolyPhen-2: "Benign"; Align-GVGD: "Class C0").

NM_004990.4(MARS1):c.2117G>A (p.Arg706His)

Gene: MARS1 (methionyl-tRNA synthetase 1; plus strand). Cytogenetic location: 12q13.3.
Variant type: single nucleotide variant.
Coding change: c.2117G>A on transcript NM_004990.4 (MANE Select); coding-DNA position 2117, G replaced by A.
Protein change: p.Arg706His; replaces arginine 706 with histidine.
Molecular consequence: missense variant.
Genome position (GRCh38, 1-based): chr12:57,514,971, G>A. VCF-style: chr12-57514971-G-A. GRCh37 (hg19) VCF-style: chr12-57908754-G-A.
Other names: c.2117G>A (NM_004990.3); short protein forms R706H.
Identifiers: ClinVar variation 1988406 (VCV001988406.5), dbSNP rs757783733, ClinGen allele CA6650716.